The following is an entry in ClinVar:

ClinVar aggregate classification (germline): Likely benign. Review status: criteria provided, multiple submitters, no conflicts (2 of 4 stars). 2 submissions from 2 submitters: Likely benign (2). Last evaluated 2025-10-11.

Allele frequency attached by ClinVar (database versions not stated): gnomAD exomes below 0.00001.
gnomAD v4.1: 3 of 1,613,846 alleles (0.00019%); highest among the groups gnomAD compares: Non-Finnish European, 0.00025%; no homozygotes.

Submissions (2):

Labcorp Genetics (formerly Invitae), Labcorp
Classification: Likely benign. Last evaluated: 2025-10-11. Review status: criteria provided, single submitter. Criteria: Invitae Variant Classification Sherloc (09022015). Collection method: clinical testing. Allele origin: germline.

GeneDx
Classification: Likely benign. Last evaluated: 2017-05-02. Review status: criteria provided, single submitter. Criteria: GeneDx Variant Classification (06012015). Collection method: clinical testing. Allele origin: germline. Affected: yes.
Comment: This variant is considered likely benign or benign based on one or more of the following criteria: it is a conservative change, it occurs at a poorly conserved position in the protein, it is predicted to be benign by multiple in silico algorithms, and/or has population frequency not consistent with disease.

NM_001854.4(COL11A1):c.3294A>G (p.Gln1098=)

Gene: COL11A1 (collagen type XI alpha 1 chain; minus strand). Cytogenetic location: 1p21.1.
Variant type: single nucleotide variant.
Coding change: c.3294A>G on transcript NM_001854.4 (MANE Select); coding-DNA position 3294, A replaced by G.
Protein change: p.Gln1098=; no amino-acid change (glutamine 1098 retained).
Molecular consequence: synonymous variant. On other transcripts: non-coding transcript variant (1).
Genome position (GRCh38, 1-based): chr1:102,940,417, T>C on the plus strand (A>G on the coding strand, the complement: COL11A1 is on the minus strand). VCF-style: chr1-102940417-T-C. GRCh37 (hg19) VCF-style: chr1-103405973-T-C.
Other names: c.3177A>G, p.Gln1059= (NM_001190709.2); c.3330A>G, p.Gln1110= (NM_080629.3); c.2946A>G, p.Gln982= (NM_080630.4).
Identifiers: ClinVar variation 509337 (VCV000509337.2), dbSNP rs1553210866, ClinGen allele CA419204227.